The following is an entry in ClinVar:

ClinVar aggregate classification (germline): Uncertain significance (1 of 4 stars; one submission).

Conditions:
Aicardi-Goutieres syndrome 6 (AGS6). Identifiers: Orphanet 51, MedGen C3539013, MONDO:0014007, OMIM 615010.
Symmetrical dyschromatosis of extremities (DSH). Also called: SYMMETRIC DYSCHROMATOSIS OF THE EXTREMITIES; Dyschromatosis symmetrica hereditaria; RETICULATE ACROPIGMENTATION OF DOHI; DYSCHROMATOSIS SYMMETRICA HEREDITARIA 1. Identifiers: Orphanet 41, MedGen C0406775, MONDO:0007483, OMIM 127400.

Submission:

Labcorp Genetics (formerly Invitae), Labcorp
Classification: Uncertain significance for Aicardi-Goutieres syndrome 6; Symmetrical dyschromatosis of extremities. Last evaluated: 2025-11-03. Review status: criteria provided, single submitter. Criteria: Invitae Variant Classification Sherloc (09022015). Collection method: clinical testing. Allele origin: germline.
Comment: This sequence change replaces glycine, which is neutral and non-polar, with cysteine, which is neutral and slightly polar, at codon 1009 of the ADAR protein (p.Gly1009Cys). This variant is not present in population databases (gnomAD no frequency). This variant has not been reported in the literature in individuals affected with ADAR-related conditions. ClinVar contains an entry for this variant (Variation ID: 1497043). Invitae Evidence Modeling of protein sequence and biophysical properties (such as structural, functional, and spatial information, amino acid conservation, physicochemical variation, residue mobility, and thermodynamic stability) indicates that this missense variant is not expected to disrupt ADAR protein function with a negative predictive value of 80%. In summary, the available evidence is currently insufficient to determine the role of this variant in disease. Therefore, it has been classified as a Variant of Uncertain Significance.

NM_001111.5(ADAR):c.3025G>T (p.Gly1009Cys)

Gene: ADAR (adenosine deaminase RNA specific; minus strand). Cytogenetic location: 1q21.3.
Variant type: single nucleotide variant.
Coding change: c.3025G>T on transcript NM_001111.5 (MANE Select); coding-DNA position 3025, G replaced by T.
Protein change: p.Gly1009Cys; replaces glycine 1009 with cysteine.
Molecular consequence: missense variant.
Genome position (GRCh38, 1-based): chr1:154,586,358, C>A on the plus strand (G>T on the coding strand, the complement: ADAR is on the minus strand). VCF-style: chr1-154586358-C-A. GRCh37 (hg19) VCF-style: chr1-154558834-C-A.
Other names: c.2140G>T, p.Gly714Cys (NM_001025107.3, NM_001193495.2, NM_001365046.1 and 2 more transcripts); c.3052G>T, p.Gly1018Cys (NM_001365045.1); c.2062G>T, p.Gly688Cys (NM_001365049.1); c.2947G>T, p.Gly983Cys (NM_015840.4); c.2890G>T, p.Gly964Cys (NM_015841.4); short protein forms G1018C, G1009C, G688C, G714C, G964C, G983C.
Identifiers: ClinVar variation 1497043 (VCV001497043.8), dbSNP rs2101567036, ClinGen allele CA342635892.
Genomic context (GRCh38, chr1:154,586,358, plus strand): 5'-CCCCGAGCCGAATGCCATCCCACGTAGGCACAATGTCACTGGATTCCACAGGGATTGTGC[C>A]TTCTCCTGTGTGAGAGACTTGGGTCAGACCCACAGGCGCCAATGGACCAAACCACTCCCT-3'
Protein context (NP_001102.3, residues 999-1019): KLRTKVENGE[Gly1009Cys]TIPVESSDIV